The following is an entry in ClinVar:

ClinVar aggregate classification (germline): Uncertain significance (1 of 4 stars; one submission).

Conditions:
Cardiovascular phenotype. Identifiers: MedGen CN230736.

Submission:

Ambry Genetics
Classification: Uncertain significance for Cardiovascular phenotype. Last evaluated: 2025-02-06. Review status: criteria provided, single submitter. Criteria: Ambry Variant Classification Scheme 2023. Collection method: clinical testing. Allele origin: germline.
Comment: The p.D2415H variant (also known as c.7243G>C), located in coding exon 2 of the ZNF469 gene, results from a G to C substitution at nucleotide position 7243. The aspartic acid at codon 2415 is replaced by histidine, an amino acid with similar properties. This amino acid position is conserved. In addition, this alteration is predicted to be tolerated by in silico analysis. Since supporting evidence is limited at this time, the clinical significance of this alteration remains unclear.

NM_001367624.2(ZNF469):c.7327G>C (p.Asp2443His)

Gene: ZNF469 (zinc finger protein 469; plus strand). Cytogenetic location: 16q24.2.
Variant type: single nucleotide variant.
Coding change: c.7327G>C on transcript NM_001367624.2 (MANE Select); coding-DNA position 7327, G replaced by C.
Protein change: p.Asp2443His; replaces aspartic acid 2443 with histidine.
Molecular consequence: missense variant.
Genome position (GRCh38, 1-based): chr16:88,434,797, G>C. VCF-style: chr16-88434797-G-C. GRCh37 (hg19) VCF-style: chr16-88501205-G-C.
Other names: NM_001127464.1:c.7243G>C; short protein forms D2443H.
Identifiers: ClinVar variation 1757877 (VCV001757877.3), dbSNP rs2507596203, ClinGen allele CA397109485.